The following is an entry in ClinVar:

NM_177972.3(TUB):c.906del (p.Lys303fs)

Genes: RIC3 (RIC3 acetylcholine receptor chaperone; minus strand), TUB (TUB bipartite transcription factor; plus strand). Cytogenetic location: 11p15.4.
Variant type: Deletion.
Coding change: c.906del on transcript NM_177972.3 (MANE Select); coding-DNA position 906, one base deleted (G; older notation c.906delG).
Protein change: p.Lys303fs; shifts the reading frame from lysine 303.
Molecular consequence: frameshift variant.
Genome position (GRCh38, 1-based): chr11:8,097,734, G deleted; the last of 2 consecutive G bases (chr11:8,097,733-8,097,734); deleting either gives the same sequence. VCF-style (leftmost placement, unchanged base first): chr11-8097732-AG-A. GRCh37 (hg19) VCF-style: chr11-8119279-AG-A.
Other names: c.1071del, p.Lys358fs (NM_003320.5); c.1071del (NM_003320.4); short protein forms K303fs, K358fs.
Identifiers: ClinVar variation 3693896 (VCV003693896.3).

ClinVar aggregate classification (germline): Conflicting classifications of pathogenicity. Review status: criteria provided, conflicting classifications (1 of 4 stars). 2 submissions from 2 submitters: Pathogenic (1); Uncertain significance (1). Last evaluated 2025-07-01.

Submissions (2):

GeneDx
Classification: Uncertain significance. Last evaluated: 2025-07-01. Review status: criteria provided, single submitter. Criteria: GeneDx Variant Classification Process June 2021. Collection method: clinical testing. Allele origin: germline. Affected: yes.
Comment: Frameshift variant predicted to result in protein truncation or nonsense mediated decay in a gene or region of a gene for which loss of function is not a well-established mechanism of disease; Not observed at significant frequency in large population cohorts (gnomAD); Has not been previously published as pathogenic or benign to our knowledge

Labcorp Genetics (formerly Invitae), Labcorp
Classification: Pathogenic. Last evaluated: 2024-06-24. Review status: criteria provided, single submitter. Criteria: Invitae Variant Classification Sherloc (09022015). Collection method: clinical testing. Allele origin: germline.
Comment: This sequence change creates a premature translational stop signal (p.Lys358Argfs*34) in the TUB gene. It is expected to result in an absent or disrupted protein product. Loss-of-function variants in TUB are known to be pathogenic (PMID: 24375934). This variant is not present in population databases (gnomAD no frequency). This variant has not been reported in the literature in individuals affected with TUB-related conditions. For these reasons, this variant has been classified as Pathogenic.

Literature cited by the submitters: PubMed 24375934 (cited by Labcorp Genetics (formerly Invitae), Labcorp).